The following is an entry in ClinVar:

NC_012920.1(MT-CYB):m.15623G>A

Gene: MT-CYB (mitochondrially encoded cytochrome b; plus strand).
Variant type: single nucleotide variant.
Genome position: chrM-15623-G-A.
Identifiers: ClinVar variation 693916 (VCV000693916.1), dbSNP rs1603225385, ClinGen allele CA913174384.
Genomic context (GRCh38, chrMT:15,623, plus strand): 5'-TATTTCCTATTCGCCTACACAATTCTCCGATCCGTCCCTAACAAACTAGGAGGCGTCCTT[G>A]CCCTATTACTATCCATCCTCATCCTAGCAATAATCCCCATCCTCCATATATCCAAACAAC-3'

ClinVar aggregate classification (germline): Uncertain significance (1 of 4 stars; one submission).

Conditions:
Leigh syndrome (NULS). Also called: Leigh's necrotizing encephalopathy; Leigh's disease; Leigh's syndrome; LEIGH SYNDROME, NUCLEAR; Leigh Syndrome (mtDNA deletion); Leigh Disease. Identifiers: Orphanet 506, MedGen C2931891, MONDO:0009723, OMIM 256000.

Submission:

Wong Mito Lab, Molecular and Human Genetics, Baylor College of Medicine
Classification: Uncertain significance for Leigh syndrome. Last evaluated: 2019-10-17. Review status: criteria provided, single submitter. Criteria: Modified ACMG Guidelines (Unpublished). Collection method: clinical testing. Allele origin: germline.
Comment: The NC_012920.1:m.15623G>A (YP_003024038.1:p.Ala293Thr) variant in MTCYB gene is interpretated to be a Uncertain Significance variant based on the modified ACMG guidelines (unpublished). This variant meets the following evidence codes: PP7